The following is an entry in ClinVar:

ClinVar aggregate classification (germline): Uncertain significance. Review status: criteria provided, multiple submitters, no conflicts (2 of 4 stars). 2 submissions from 2 submitters: Uncertain significance (2). Last evaluated 2022-08-23.

Conditions:
Inborn genetic diseases. Identifiers: MedGen C0950123, MeSH D030342.
Developmental and epileptic encephalopathy, 14 (DEE14). Also called: Early infantile epileptic encephalopathy 14. Identifiers: Orphanet 293181, MedGen C3554195, MONDO:0013989, OMIM 614959.
Autosomal dominant nocturnal frontal lobe epilepsy 5. Also called: KCNT1-Related Epilepsy; CILIARY DYSKINESIA, PRIMARY, 28, WITH SITUS INVERSUS; Epilepsy, nocturnal frontal lobe, 5; CILIARY DYSKINESIA, PRIMARY, 28, WITHOUT SITUS INVERSUS. Identifiers: Orphanet 98784, MedGen C3554306, MONDO:0014002, OMIM 615005.

Allele frequency attached by ClinVar (database versions not stated): ExAC 0.00001; gnomAD 0.00001; TOPMed 0.00002.
gnomAD v4.1: 1 of 1,612,774 alleles (0.000062%); highest among the groups gnomAD compares: African/African-American, 0.0013%; no homozygotes.

Submissions (2):

Labcorp Genetics (formerly Invitae), Labcorp
Classification: Uncertain significance for Autosomal dominant nocturnal frontal lobe epilepsy 5; Developmental and epileptic encephalopathy, 14. Last evaluated: 2022-08-23. Review status: criteria provided, single submitter. Criteria: Invitae Variant Classification Sherloc (09022015). Collection method: clinical testing. Allele origin: germline.
Comment: This sequence change replaces leucine, which is neutral and non-polar, with methionine, which is neutral and non-polar, at codon 653 of the KCNT1 protein (p.Leu653Met). This variant is not present in population databases (gnomAD no frequency). This variant has not been reported in the literature in individuals affected with KCNT1-related conditions. ClinVar contains an entry for this variant (Variation ID: 1411557). Advanced modeling of protein sequence and biophysical properties (such as structural, functional, and spatial information, amino acid conservation, physicochemical variation, residue mobility, and thermodynamic stability) performed at Invitae indicates that this missense variant is not expected to disrupt KCNT1 protein function. In summary, the available evidence is currently insufficient to determine the role of this variant in disease. Therefore, it has been classified as a Variant of Uncertain Significance.

Ambry Genetics
Classification: Uncertain significance for Inborn genetic diseases. Last evaluated: 2017-06-09. Review status: criteria provided, single submitter. Criteria: Ambry Variant Classification Scheme 2023. Collection method: clinical testing. Allele origin: germline.
Comment: The p.L653M variant (also known as c.1957C>A), located in coding exon 18 of the KCNT1 gene, results from a C to A substitution at nucleotide position 1957. The leucine at codon 653 is replaced by methionine, an amino acid with highly similar properties. This amino acid position is not well conserved in available vertebrate species. In addition, this alteration is predicted to be tolerated by in silico analysis. Since supporting evidence is limited at this time, the clinical significance of this alteration remains unclear.

NM_020822.3(KCNT1):c.1957C>A (p.Leu653Met)

Gene: KCNT1 (potassium sodium-activated channel subfamily T member 1; plus strand). Cytogenetic location: 9q34.3.
Variant type: single nucleotide variant.
Coding change: c.1957C>A on transcript NM_020822.3 (MANE Select); coding-DNA position 1957, C replaced by A.
Protein change: p.Leu653Met; replaces leucine 653 with methionine.
Molecular consequence: missense variant.
Genome position (GRCh38, 1-based): chr9:135,771,044, C>A. VCF-style: chr9-135771044-C-A. GRCh37 (hg19) VCF-style: chr9-138662890-C-A.
Other names: c.1822C>A, p.Leu608Met (NM_001272003.2); short protein forms L608M, L653M.
Identifiers: ClinVar variation 1411557 (VCV001411557.8), dbSNP rs771481255, ClinGen allele CA5327117.